The following is an entry in ClinVar:

NM_000478.6(ALPL):c.1050T>G (p.His350Gln)

Gene: ALPL (alkaline phosphatase, biomineralization associated; plus strand). Cytogenetic location: 1p36.12.
Variant type: single nucleotide variant.
Coding change: c.1050T>G on transcript NM_000478.6 (MANE Select); coding-DNA position 1050, T replaced by G.
Protein change: p.His350Gln; replaces histidine 350 with glutamine.
Molecular consequence: missense variant.
Genome position (GRCh38, 1-based): chr1:21,575,785, T>G. VCF-style: chr1-21575785-T-G. GRCh37 (hg19) VCF-style: chr1-21902278-T-G.
Other names: c.1050T>G (NM_000478.5); c.885T>G, p.His295Gln (NM_001127501.4); c.819T>G, p.His273Gln (NM_001177520.3); c.1050T>G, p.His350Gln (NM_001369803.2, NM_001369804.2, NM_001369805.2); short protein forms H350Q, H295Q, H273Q.
Identifiers: ClinVar variation 4696423 (VCV004696423.2).

ClinVar aggregate classification (germline): Uncertain significance. Review status: criteria provided, multiple submitters, no conflicts (2 of 4 stars). 2 submissions from 2 submitters: Uncertain significance (2). Last evaluated 2026-07-30.

Conditions:
ALPL-related disorder. Also called: ALPL-related disorders; ALPL-related condition.

Submissions (2):

PreventionGenetics, part of Exact Sciences
Classification: Uncertain significance for ALPL-related condition. Last evaluated: 2026-07-30. Review status: criteria provided, single submitter. Criteria: ACMG Guidelines, 2015. Collection method: clinical testing. Allele origin: germline.
Comment: The ALPL c.1050T>G variant is predicted to result in the amino acid substitution p.His350Gln. To our knowledge, this variant has not been reported in the literature or in a large population database (gnomAD), indicating this variant is rare. At this time, the clinical significance of this variant is uncertain due to the absence of conclusive functional and genetic evidence.

Labcorp Genetics (formerly Invitae), Labcorp
Classification: Uncertain significance. Last evaluated: 2026-01-14. Review status: criteria provided, single submitter. Criteria: Invitae Variant Classification Sherloc (09022015). Collection method: clinical testing. Allele origin: germline.
Comment: This sequence change replaces histidine, which is basic and polar, with glutamine, which is neutral and polar, at codon 350 of the ALPL protein (p.His350Gln). This variant is not present in population databases (gnomAD no frequency). This variant has not been reported in the literature in individuals affected with ALPL-related conditions. Invitae Evidence Modeling of protein sequence and biophysical properties (such as structural, functional, and spatial information, amino acid conservation, physicochemical variation, residue mobility, and thermodynamic stability) indicates that this missense variant is expected to disrupt ALPL protein function with a positive predictive value of 80%. In summary, the available evidence is currently insufficient to determine the role of this variant in disease. Therefore, it has been classified as a Variant of Uncertain Significance.